The following is an entry in ClinVar:

NM_175914.5(HNF4A):c.876_877insT (p.Val293fs)

Gene: HNF4A (hepatocyte nuclear factor 4 alpha; plus strand). Cytogenetic location: 20q13.12.
Variant type: Insertion.
Coding change: c.876_877insT on transcript NM_175914.5 (MANE Select); coding-DNA positions 876 to 877, T inserted.
Protein change: p.Val293fs; shifts the reading frame from valine 293.
Molecular consequence: frameshift variant.
Genome position: GRCh38 VCF-style: chr20-44424067-G-GT. GRCh37 (hg19) VCF-style: chr20-43052707-G-GT.
Other names: NM_175914.5:c.876_877insT; c.942_943insT, p.Val315fs (NM_000457.6, NM_178849.3, NM_178850.3); c.876_877insT, p.Val293fs (NM_001030003.3, NM_001030004.3); c.921_922insT, p.Val308fs (NM_001258355.2); c.867_868insT, p.Val290fs (NM_001287182.2, NM_001287183.2, NM_001287184.2); short protein forms V290fs, V293fs, V308fs, V315fs.
Identifiers: ClinVar variation 2574172 (VCV002574172.1), dbSNP rs2515713821, ClinGen allele CA2573106200.
Genomic context (GRCh38, chr20:44,424,067, plus strand): 5'-TTCCATTGTAGATGCCAAGGGGCTGAGCGATCCAGGGAAGATCAAGCGGCTGCGTTCCCA[G>GT]GTGCAGGTGAGCTTGGAGGACTACATCAACGACCGCCAGTATGACTCGCGTGGCCGCTTT-3'

ClinVar aggregate classification (germline): Pathogenic (3 of 4 stars; one submission).

Conditions:
Monogenic diabetes. Identifiers: Orphanet 183625, MedGen C3888631, MONDO:0015967.

Submission:

ClinGen Monogenic Diabetes Variant Curation Expert Panel
Classification: Pathogenic for Monogenic diabetes. Last evaluated: 2023-07-30. Review status: reviewed by expert panel. Criteria: MDEP HNF4A Specificiations 1.0.0. Collection method: curation. Allele origin: germline. Inheritance: Autosomal dominant inheritance.
Comment: The c.876_877insT variant in the Hepatocyte nuclear factor 4 alpha, HNF4A, causes a frameshift in the protein at codon 293 in NM_175914.5, adding 15 novel amino acids before encountering a stop codon (p.(Val293CysfsTer15)). This variant, located in biologically-relevant exon 8 of 10, is predicted to lead to nonsense mediated decay in a gene in which loss-of-function is an established disease mechanism (PVS1; PMID: 23348805). This variant is absent from gnomAD v2.1.1 (PM2_Supporting). This variant was identified in an individual with a clinical history highly specific for HNF4A-MODY (MODY probability calculator result >50%, negative genetic testing for HNF1A, and negative autoantibodies) (PP4_Moderate; PMID:22060211). In summary, c.876_877insT meets the criteria to be classified as Pathogenic for monogenic diabetes. ACMG/AMP criteria applied, as specified by the ClinGen MDEP VCEP (specification version 1.0, approved 11/16/2022): PVS1, PM2_Supporting, PP4_Moderate.